The following is an entry in ClinVar:

NM_002894.3(RBBP8):c.368A>G (p.Glu123Gly)

Gene: RBBP8 (RB binding protein 8, endonuclease; plus strand). Cytogenetic location: 18q11.2.
Variant type: single nucleotide variant.
Coding change: c.368A>G on transcript NM_002894.3 (MANE Select); coding-DNA position 368, A replaced by G.
Protein change: p.Glu123Gly; replaces glutamic acid 123 with glycine.
Molecular consequence: missense variant.
Genome position (GRCh38, 1-based): chr18:22,975,159, A>G. VCF-style: chr18-22975159-A-G. GRCh37 (hg19) VCF-style: chr18-20555122-A-G.
Other names: c.368A>G, p.Glu123Gly (NM_203291.2, NM_203292.2); short protein forms E123G.
Identifiers: ClinVar variation 1348139 (VCV001348139.6), dbSNP rs2144622700, ClinGen allele CA401772375.

ClinVar aggregate classification (germline): Uncertain significance (1 of 4 stars; one submission).

Submission:

Labcorp Genetics (formerly Invitae), Labcorp
Classification: Uncertain significance. Last evaluated: 2022-06-28. Review status: criteria provided, single submitter. Criteria: Invitae Variant Classification Sherloc (09022015). Collection method: clinical testing. Allele origin: germline.
Comment: In summary, the available evidence is currently insufficient to determine the role of this variant in disease. Therefore, it has been classified as a Variant of Uncertain Significance. Algorithms developed to predict the effect of missense changes on protein structure and function are either unavailable or do not agree on the potential impact of this missense change (SIFT: "Deleterious"; PolyPhen-2: "Probably Damaging"; Align-GVGD: "Class C0"). This variant has not been reported in the literature in individuals affected with RBBP8-related conditions. This variant is not present in population databases (gnomAD no frequency). This sequence change replaces glutamic acid, which is acidic and polar, with glycine, which is neutral and non-polar, at codon 123 of the RBBP8 protein (p.Glu123Gly).